The following is an entry in ClinVar:

NM_000271.5(NPC1):c.257A>C (p.Asn86Thr)

Gene: NPC1 (NPC intracellular cholesterol transporter 1; minus strand). Cytogenetic location: 18q11.2.
Variant type: single nucleotide variant.
Coding change: c.257A>C on transcript NM_000271.5 (MANE Select); coding-DNA position 257, A replaced by C.
Protein change: p.Asn86Thr; replaces asparagine 86 with threonine.
Molecular consequence: missense variant.
Genome position (GRCh38, 1-based): chr18:23,572,104, T>G on the plus strand (A>C on the coding strand, the complement: NPC1 is on the minus strand). VCF-style: chr18-23572104-T-G. GRCh37 (hg19) VCF-style: chr18-21152068-T-G.
Other names: short protein forms N86T.
Identifiers: ClinVar variation 4058892 (VCV004058892.2).

ClinVar aggregate classification (germline): Uncertain significance. Review status: criteria provided, single submitter (1 of 4 stars). 2 submissions from 2 submitters: Uncertain significance (1). 1 of the submissions does not count toward it. Last evaluated 2026-03-04.

Conditions:
Niemann-Pick disease, type C1. Also called: NEUROVISCERAL STORAGE DISEASE WITH VERTICAL SUPRANUCLEAR OPHTHALMOPLEGIA; NIEMANN-PICK DISEASE WITH CHOLESTEROL ESTERIFICATION BLOCK; NIEMANN-PICK DISEASE WITHOUT SPHINGOMYELINASE DEFICIENCY; NIEMANN-PICK DISEASE, CHRONIC NEURONOPATHIC FORM; NIEMANN-PICK DISEASE, VARIANT TYPE C1. Identifiers: Orphanet 646, MedGen C3179455, MONDO:0009757, OMIM 257220.

Submissions (2):

Women's Health and Genetics/Laboratory Corporation of America, LabCorp
Classification: Uncertain significance. Last evaluated: 2026-03-04. Review status: criteria provided, single submitter. Criteria: LabCorp Variant Classification Summary - May 2015. Collection method: clinical testing. Allele origin: germline.
Comment: Variant summary: NPC1 c.257A>C (p.Asn86Thr) results in a non-conservative amino acid change in the encoded protein sequence. Algorithms developed to predict the effect of missense changes on protein structure and function all suggest that this variant is likely to be disruptive. The variant was absent in 251244 control chromosomes. The available data on variant occurrences in the general population are insufficient to allow any conclusion about variant significance. To our knowledge, no occurrence of c.257A>C in individuals affected with NPC1-related conditions and no experimental evidence demonstrating its impact on protein function have been reported. ClinVar contains an entry for this variant (Variation ID: 4058892). Based on the evidence outlined above, the variant was classified as uncertain significance.

Natera, Inc.
Classification: Uncertain significance for Niemann-Pick disease type C1. Last evaluated: 2025-05-30. Review status: no assertion criteria provided. Collection method: clinical testing. Allele origin: germline. Not counted in ClinVar's aggregate classification.